The following is an entry in ClinVar:

NM_013275.6(ANKRD11):c.5380G>T (p.Asp1794Tyr)

Gene: ANKRD11 (ankyrin repeat domain 11; minus strand). Cytogenetic location: 16q24.3.
Variant type: single nucleotide variant.
Coding change: c.5380G>T on transcript NM_013275.6 (MANE Select); coding-DNA position 5380, G replaced by T.
Protein change: p.Asp1794Tyr; replaces aspartic acid 1794 with tyrosine.
Molecular consequence: missense variant.
Genome position (GRCh38, 1-based): chr16:89,281,162, C>A on the plus strand (G>T on the coding strand, the complement: ANKRD11 is on the minus strand). VCF-style: chr16-89281162-C-A. GRCh37 (hg19) VCF-style: chr16-89347570-C-A.
Other names: c.5380G>T, p.Asp1794Tyr (NM_001256182.2, NM_001256183.2); short protein forms D1794Y.
Identifiers: ClinVar variation 4997607 (VCV004997607.1).
Genomic context (GRCh38, chr16:89,281,162, plus strand): 5'-TCTGCTGCCTGAAGAGCTTGTCTCCGACGCTGAATTCTTCCTCGGGGGTCCTCCTAATGT[C>A]GACAGAGACCGAGCGGTAAAGGTTTGTGGAGAGAGGCCTGGCAGGAGCCTGGCTGGCGTT-3'
Protein context (NP_037407.4, residues 1784-1804): STNLYRSVSV[Asp1794Tyr]IRRTPEEEFS

ClinVar aggregate classification (germline): Uncertain significance (1 of 4 stars; one submission).

Conditions:
ANKRD11-related disorder. Also called: ANKRD11-related condition.

gnomAD v4.1: 1 of 1,614,106 alleles (0.000062%); highest among the groups gnomAD compares: Admixed American, 0.0017%; no homozygotes.

Submission:

PreventionGenetics, part of Exact Sciences
Classification: Uncertain significance for ANKRD11-related condition. Last evaluated: 2025-03-06. Review status: criteria provided, single submitter. Criteria: ACMG Guidelines, 2015. Collection method: clinical testing. Allele origin: germline.
Comment: The ANKRD11 c.5380G>T variant is predicted to result in the amino acid substitution p.Asp1794Tyr. To our knowledge, this variant has not been reported in the literature. This variant is reported in 0.0058% of alleles in individuals of Latino descent in gnomAD. At this time, the clinical significance of this variant is uncertain due to the absence of conclusive functional and genetic evidence.